The following is an entry in ClinVar:

NM_015378.4(VPS13D):c.2236+4T>C

Gene: VPS13D (vacuolar protein sorting 13 homolog D; plus strand). Cytogenetic location: 1p36.22.
Variant type: single nucleotide variant.
Coding change: c.2236+4T>C on transcript NM_015378.4 (MANE Select); 4 bases into the intron after coding-DNA position 2236, T replaced by C.
Molecular consequence: intron variant.
Genome position (GRCh38, 1-based): chr1:12,273,139, T>C. VCF-style: chr1-12273139-T-C. GRCh37 (hg19) VCF-style: chr1-12333196-T-C.
Other names: c.2236+4T>C (NM_018156.4).
Identifiers: ClinVar variation 1932835 (VCV001932835.2), dbSNP rs2524004794, ClinGen allele CA2580060555.

ClinVar aggregate classification (germline): Uncertain significance (1 of 4 stars; one submission).

Allele frequency attached by ClinVar (database versions not stated): gnomAD exomes below 0.00001.
gnomAD v4.1: 3 of 1,613,384 alleles (0.00019%); highest among the groups gnomAD compares: Non-Finnish European, 0.00017%; no homozygotes.

Submission:

Labcorp Genetics (formerly Invitae), Labcorp
Classification: Uncertain significance. Last evaluated: 2022-08-07. Review status: criteria provided, single submitter. Criteria: Invitae Variant Classification Sherloc (09022015). Collection method: clinical testing. Allele origin: germline.
Comment: This sequence change falls in intron 18 of the VPS13D gene. It does not directly change the encoded amino acid sequence of the VPS13D protein. It affects a nucleotide within the consensus splice site. This variant is not present in population databases (gnomAD no frequency). This variant has not been reported in the literature in individuals affected with VPS13D-related conditions. Variants that disrupt the consensus splice site are a relatively common cause of aberrant splicing (PMID: 17576681, 9536098). Algorithms developed to predict the effect of sequence changes on RNA splicing suggest that this variant is not likely to affect RNA splicing. In summary, the available evidence is currently insufficient to determine the role of this variant in disease. Therefore, it has been classified as a Variant of Uncertain Significance.

Literature cited by the submitters: PubMed 17576681; PubMed 9536098.